The following is an entry in ClinVar:

ClinVar aggregate classification (germline): Likely benign. Review status: criteria provided, multiple submitters, no conflicts (2 of 4 stars). 2 submissions from 2 submitters: Likely benign (2). Last evaluated 2024-10-02.

Conditions:
Hereditary diffuse gastric adenocarcinoma (HDGC). Also called: DIFFUSE GASTRIC AND LOBULAR BREAST CANCER SYNDROME. Identifiers: Orphanet 26106, MedGen C1708349, MONDO:0007648, OMIM 137215.

Allele frequency attached by ClinVar (database versions not stated): gnomAD exomes below 0.00001; ExAC 0.00001.
gnomAD v4.1: 1 of 1,584,660 alleles (0.000063%); highest among the groups gnomAD compares: Non-Finnish European, 0.000086%; no homozygotes.

Submissions (2):

Labcorp Genetics (formerly Invitae), Labcorp
Classification: Likely benign for Hereditary diffuse gastric adenocarcinoma. Last evaluated: 2024-10-02. Review status: criteria provided, single submitter. Criteria: Invitae Variant Classification Sherloc (09022015). Collection method: clinical testing. Allele origin: germline.

Myriad Genetics, Inc.
Classification: Likely benign for Hereditary diffuse gastric adenocarcinoma. Last evaluated: 2024-09-20. Review status: criteria provided, single submitter. Criteria: Myriad Autosomal Dominant, Autosomal Recessive and X-Linked Classification Criteria (2023). Collection method: clinical testing. Allele origin: unknown.
Comment: This variant is considered likely benign. This variant is intronic and is not expected to impact mRNA splicing.

NM_004360.5(CDH1):c.2164+8C>T

Gene: CDH1 (cadherin 1; plus strand). Cytogenetic location: 16q22.1.
Variant type: single nucleotide variant.
Coding change: c.2164+8C>T on transcript NM_004360.5 (MANE Select); 8 bases into the intron after coding-DNA position 2164, C replaced by T.
Molecular consequence: intron variant.
Genome position (GRCh38, 1-based): chr16:68,823,634, C>T. VCF-style: chr16-68823634-C-T. GRCh37 (hg19) VCF-style: chr16-68857537-C-T.
Other names: c.616+8C>T (NM_001317185.2); c.199+8C>T (NM_001317186.2); c.1981+8C>T (NM_001317184.2).
Identifiers: ClinVar variation 1546006 (VCV001546006.9), dbSNP rs780024078, ClinGen allele CA8130203.
Genomic context (GRCh38, chr16:68,823,634, plus strand): 5'-ATTGCAAATTCCTGCCATTCTGGGGATTCTTGGAGGAATTCTTGCTTTGCTAAGTAAGTC[C>T]AGCTGGCAAGTGACTCAGCCTTTGACTTAAAAAAATGGAGGAGGTTTATTTCCTGGAAAT-3'